The following is an entry in ClinVar:

ClinVar aggregate classification (germline): Uncertain significance. Review status: criteria provided, multiple submitters, no conflicts (2 of 4 stars). 2 submissions from 2 submitters: Uncertain significance (2). Last evaluated 2025-08-30.

Conditions:
Inborn genetic diseases. Identifiers: MedGen C0950123, MeSH D030342.
Acute myeloid leukemia (AML). Also called: Leukemia, acute myeloid, somatic; Leukemia, acute myelogenous, somatic; Acute myeloid leukemia, adult; AML adult; Acute non-lymphocytic leukemia; Acute granulocytic leukemia. Identifiers: Orphanet 519, MedGen C0023467, MeSH D015470, MONDO:0018874, OMIM 601626, HP:0004808. Disease mechanism: Constitutively activated FLT3.

Submissions (2):

Ambry Genetics
Classification: Uncertain significance for Inborn genetic diseases. Last evaluated: 2025-08-30. Review status: criteria provided, single submitter. Criteria: Ambry Variant Classification Scheme 2023. Collection method: clinical testing. Allele origin: germline.
Comment: The p.A243T variant (also known as c.727G>A), located in coding exon 1 of the CEBPA gene, results from a G to A substitution at nucleotide position 727. The alanine at codon 243 is replaced by threonine, an amino acid with similar properties. This amino acid position is conserved. In addition, this alteration is predicted to be tolerated by in silico analysis. Based on the available evidence, the clinical significance of this variant remains unclear.

Labcorp Genetics (formerly Invitae), Labcorp
Classification: Uncertain significance for Acute myeloid leukemia. Last evaluated: 2023-03-02. Review status: criteria provided, single submitter. Criteria: Invitae Variant Classification Sherloc (09022015). Collection method: clinical testing. Allele origin: germline.
Comment: In summary, the available evidence is currently insufficient to determine the role of this variant in disease. Therefore, it has been classified as a Variant of Uncertain Significance. Algorithms developed to predict the effect of missense changes on protein structure and function output the following: SIFT: "Not Available"; PolyPhen-2: "Benign"; Align-GVGD: "Not Available". The threonine amino acid residue is found in multiple mammalian species, which suggests that this missense change does not adversely affect protein function. ClinVar contains an entry for this variant (Variation ID: 1477371). This variant has not been reported in the literature in individuals affected with CEBPA-related conditions. This variant is not present in population databases (gnomAD no frequency). This sequence change replaces alanine, which is neutral and non-polar, with threonine, which is neutral and polar, at codon 243 of the CEBPA protein (p.Ala243Thr).

NM_004364.5(CEBPA):c.727G>A (p.Ala243Thr)

Gene: CEBPA (CCAAT enhancer binding protein alpha; minus strand). Cytogenetic location: 19q13.11.
Variant type: single nucleotide variant.
Coding change: c.727G>A on transcript NM_004364.5 (MANE Select); coding-DNA position 727, G replaced by A.
Protein change: p.Ala243Thr; replaces alanine 243 with threonine.
Molecular consequence: missense variant.
Genome position (GRCh38, 1-based): chr19:33,301,688, C>T on the plus strand (G>A on the coding strand, the complement: CEBPA is on the minus strand). VCF-style: chr19-33301688-C-T. GRCh37 (hg19) VCF-style: chr19-33792594-C-T.
Other names: c.370G>A, p.Ala124Thr (NM_001285829.2); c.832G>A, p.Ala278Thr (NM_001287424.2); c.685G>A, p.Ala229Thr (NM_001287435.2); c.727G>A (NM_004364.3); short protein forms A243T, A124T, A229T, A278T.
Identifiers: ClinVar variation 1477371 (VCV001477371.7), dbSNP rs2145260494, ClinGen allele CA405274337.